The following is an entry in ClinVar:

ClinVar aggregate classification (germline): Pathogenic/Likely pathogenic. Review status: criteria provided, multiple submitters, no conflicts (2 of 4 stars). 2 submissions from 2 submitters: Pathogenic (1); Likely pathogenic (1). Last evaluated 2023-05-01.

Conditions:
Fanconi anemia (FA). Also called: Fanconi's anemia. Identifiers: Orphanet 84, MedGen C0015625, MeSH D005199, MONDO:0019391.
FANCA-related disorders.

Submissions (2):

Labcorp Genetics (formerly Invitae), Labcorp
Classification: Pathogenic for Fanconi anemia. Last evaluated: 2023-05-01. Review status: criteria provided, single submitter. Criteria: Invitae Variant Classification Sherloc (09022015). Collection method: clinical testing. Allele origin: germline.
Comment: This variant has not been reported in the literature in individuals affected with FANCA-related conditions. For these reasons, this variant has been classified as Pathogenic. Information on the frequency of this variant in the gnomAD database is not available, as this variant may be reported differently in the database. This sequence change creates a premature translational stop signal (p.Glu1106_Gln1107delinsAsp*) in the FANCA gene. It is expected to result in an absent or disrupted protein product. Loss-of-function variants in FANCA are known to be pathogenic (PMID: 19367192).

Blueprint Genetics
Classification: Likely pathogenic for FANCA-related disorders. Last evaluated: 2021-12-17. Review status: criteria provided, single submitter. Criteria: ACMG Guidelines, 2015. Collection method: clinical testing. Allele origin: germline. Affected: yes. Observed: 1 variant allele.

Literature cited by the submitters: PubMed 19367192 (cited by Labcorp Genetics (formerly Invitae), Labcorp).

NM_000135.4(FANCA):c.3318_3319delinsTT (p.Glu1106_Gln1107delinsAspTer)

Gene: FANCA (FA complementation group A; minus strand). Cytogenetic location: 16q24.3.
Variant type: Indel.
Coding change: c.3318_3319delinsTT on transcript NM_000135.4 (MANE Select); coding-DNA positions 3318 to 3319, GC replaced by TT.
Protein change: p.Glu1106_Gln1107delinsAspTer.
Molecular consequence: nonsense.
Genome position (GRCh38, 1-based): chr16:89,748,688-89,748,689, GC replaced by AA on the plus strand (GC replaced by TT on the coding strand, the reverse complement: FANCA is on the minus strand). VCF-style: chr16-89748688-GC-AA. GRCh37 (hg19) VCF-style: chr16-89815096-GC-AA.
Other names: c.3318_3319delinsTT, p.Glu1106_Gln1107delinsAspTer (NM_001286167.3).
Identifiers: ClinVar variation 2861134 (VCV002861134.4), dbSNP rs2544126063, ClinGen allele CA2739267025.